The following is an entry in ClinVar:

ClinVar aggregate classification (germline): Conflicting classifications of pathogenicity. Review status: criteria provided, conflicting classifications (1 of 4 stars). 12 submissions from 10 submitters: Uncertain significance (1); Benign (7); Likely benign (2). 2 of the submissions do not count toward it. Last evaluated 2026-09-01.

Conditions:
Gnathodiaphyseal dysplasia (GDD). Also called: OSTEOGENESIS IMPERFECTA WITH UNUSUAL SKELETAL LESIONS; GNATHODIAPHYSEAL SCLEROSIS. Identifiers: Orphanet 53697, MedGen C1833736, MONDO:0008151, OMIM 166260.
Autosomal recessive limb-girdle muscular dystrophy type 2L (LGMDR12). Also called: MUSCULAR DYSTROPHY, LIMB-GIRDLE, AUTOSOMAL RECESSIVE 12; Limb-Girdle Muscular Dystrophy R12 Anoctamin-5-Related (LGMD-R12); Limb-girdle muscular dystrophy, type 2L. Identifiers: Orphanet 206549, MedGen C1969785, MONDO:0012652, OMIM 611307.
Miyoshi muscular dystrophy 3 (MMD3). Also called: Miyoshi myopathy 3; Miyoshi Muscular Dystrophy 3 (MMD3). Identifiers: Orphanet 399096, MedGen C2750076, MONDO:0013222, OMIM 613319.
ANO5-Related Muscle Diseases. Identifiers: MedGen CN180644.

Allele frequency attached by ClinVar (database versions not stated): gnomAD 0.00013; ESP Exome Variant Server 0.00023; TOPMed 0.00025; gnomAD exomes 0.00104; ExAC 0.00181; 1000 Genomes Project 0.00260; 1000 Genomes Project 30x 0.00281.
gnomAD v4.1: 1,610 of 1,597,938 alleles (0.1%); highest among the groups gnomAD compares: South Asian, 1.1%; 19 homozygotes.

Submissions (12):

CeGaT Center for Human Genetics Tuebingen
Classification: Benign. Last evaluated: 2026-09-01. Review status: criteria provided, single submitter. Criteria: CeGaT Center For Human Genetics Tuebingen Variant Classification Criteria Version 2. Collection method: clinical testing. Allele origin: germline. Affected: yes. Observed: 3 variant alleles.
Comment: ANO5: BP4, BP7, BS1, BS2

Labcorp Genetics (formerly Invitae), Labcorp
Classification: Benign for Autosomal recessive limb-girdle muscular dystrophy type 2L; Gnathodiaphyseal dysplasia. Last evaluated: 2026-01-11. Review status: criteria provided, single submitter. Criteria: Invitae Variant Classification Sherloc (09022015). Collection method: clinical testing. Allele origin: germline.

ARUP Laboratories, Molecular Genetics and Genomics, ARUP Laboratories
Classification: Benign. Last evaluated: 2023-02-15. Review status: criteria provided, single submitter. Criteria: ARUP Molecular Germline Variant Investigation Process 2024. Collection method: clinical testing. Allele origin: germline.

Genome-Nilou Lab
Classification: Likely benign for Gnathodiaphyseal dysplasia. Last evaluated: 2021-12-05. Review status: criteria provided, single submitter. Criteria: ACMG Guidelines, 2015. Collection method: clinical testing. Allele origin: germline. Affected: no.

Genome-Nilou Lab
Classification: Benign for Miyoshi muscular dystrophy 3. Last evaluated: 2021-12-05. Review status: criteria provided, single submitter. Criteria: ACMG Guidelines, 2015. Collection method: clinical testing. Allele origin: germline. Affected: no.

Genome-Nilou Lab
Classification: Benign for Autosomal recessive limb-girdle muscular dystrophy type 2L. Last evaluated: 2021-12-05. Review status: criteria provided, single submitter. Criteria: ACMG Guidelines, 2015. Collection method: clinical testing. Allele origin: germline. Affected: no.

GeneDx
Classification: Likely benign. Last evaluated: 2020-12-08. Review status: criteria provided, single submitter. Criteria: GeneDx Variant Classification Process June 2021. Collection method: clinical testing. Allele origin: germline. Affected: yes.

Athena Diagnostics
Classification: Benign. Last evaluated: 2018-11-01. Review status: criteria provided, single submitter. Criteria: Athena Diagnostics Criteria. Collection method: clinical testing. Allele origin: germline.

Illumina Laboratory Services, Illumina
Classification: Uncertain significance for ANO5-Related Muscle Diseases. Last evaluated: 2017-04-27. Review status: criteria provided, single submitter. Criteria: ICSL Variant Classification Criteria 13 December 2019. Collection method: clinical testing. Allele origin: germline.

Eurofins Ntd Llc (ga)
Classification: Benign. Last evaluated: 2016-01-29. Review status: criteria provided, single submitter. Criteria: EGL Classification Definitions 2015. Collection method: clinical testing. Allele origin: germline. Observed: 1 variant allele, 1 heterozygote.

Diagnostic Laboratory, Department of Genetics, University Medical Center Groningen
Classification: Likely benign. Review status: no assertion criteria provided. Collection method: clinical testing. Allele origin: germline. Affected: yes. Study: VKGL Data-share Consensus. Not counted in ClinVar's aggregate classification.

Genome Diagnostics Laboratory, Amsterdam University Medical Center
Classification: Benign. Review status: no assertion criteria provided. Collection method: clinical testing. Allele origin: germline. Affected: yes. Study: VKGL Data-share Consensus. Not counted in ClinVar's aggregate classification.

Literature cited by the submitters: PubMed 23606453 (cited by Athena Diagnostics).

NM_213599.3(ANO5):c.2256G>A (p.Thr752=)

Gene: ANO5 (anoctamin 5; plus strand). Cytogenetic location: 11p14.3.
Variant type: single nucleotide variant.
Coding change: c.2256G>A on transcript NM_213599.3 (MANE Select); coding-DNA position 2256, G replaced by A.
Protein change: p.Thr752=; no amino-acid change (threonine 752 retained).
Molecular consequence: synonymous variant.
Genome position (GRCh38, 1-based): chr11:22,274,589, G>A. VCF-style: chr11-22274589-G-A. GRCh37 (hg19) VCF-style: chr11-22296135-G-A.
Other names: c.2253G>A, p.Thr751= (NM_001142649.2).
Identifiers: ClinVar variation 285552 (VCV000285552.27), dbSNP rs144048656, ClinGen allele CA5923512.